The following is an entry in ClinVar:

NM_206933.4(USH2A):c.14285A>C (p.Asn4762Thr)

Gene: USH2A (usherin; minus strand). Cytogenetic location: 1q41.
Variant type: single nucleotide variant.
Coding change: c.14285A>C on transcript NM_206933.4 (MANE Select); coding-DNA position 14285, A replaced by C.
Protein change: p.Asn4762Thr; replaces asparagine 4762 with threonine.
Molecular consequence: missense variant.
Genome position (GRCh38, 1-based): chr1:215,650,650, T>G on the plus strand (A>C on the coding strand, the complement: USH2A is on the minus strand). VCF-style: chr1-215650650-T-G. GRCh37 (hg19) VCF-style: chr1-215823992-T-G.
Other names: short protein forms N4762T.
Identifiers: ClinVar variation 3896672 (VCV003896672.2).

ClinVar aggregate classification (germline): Uncertain significance (1 of 4 stars; one submission).

gnomAD v4.1: 1 of 1,614,006 alleles (0.000062%); highest among the groups gnomAD compares: Non-Finnish European, 0.000085%; no homozygotes.

Submission:

Women's Health and Genetics/Laboratory Corporation of America, LabCorp
Classification: Uncertain significance. Last evaluated: 2025-04-22. Review status: criteria provided, single submitter. Criteria: LabCorp Variant Classification Summary - May 2015. Collection method: clinical testing. Allele origin: germline.
Comment: Variant summary: USH2A c.14285A>C (p.Asn4762Thr) results in a non-conservative amino acid change in the encoded protein sequence. Five of five in-silico tools predict a damaging effect of the variant on protein function. The variant was absent in 251188 control chromosomes. The available data on variant occurrences in the general population are insufficient to allow any conclusion about variant significance. To our knowledge, no occurrence of c.14285A>C in individuals affected with Usher Syndrome and no experimental evidence demonstrating its impact on protein function have been reported. No submitters have cited clinical-significance assessments for this variant to ClinVar. c.14285A>G (p.Asn4762Ser): P/LP has been associated with disease in Clinvar. Based on the evidence outlined above, the variant was classified as uncertain significance.